The following is an entry in ClinVar:

NM_015295.3(SMCHD1):c.4126G>A (p.Asp1376Asn)

Gene: SMCHD1 (structural maintenance of chromosomes flexible hinge domain containing 1; plus strand). Cytogenetic location: 18p11.32.
Variant type: single nucleotide variant.
Coding change: c.4126G>A on transcript NM_015295.3 (MANE Select); coding-DNA position 4126, G replaced by A.
Protein change: p.Asp1376Asn; replaces aspartic acid 1376 with asparagine.
Molecular consequence: missense variant.
Genome position (GRCh38, 1-based): chr18:2,750,468, G>A. VCF-style: chr18-2750468-G-A. GRCh37 (hg19) VCF-style: chr18-2750466-G-A.
Other names: short protein forms D1376N.
Identifiers: ClinVar variation 2648518 (VCV002648518.24), dbSNP rs2075550287, ClinGen allele CA401692232.

ClinVar aggregate classification (germline): Uncertain significance (1 of 4 stars; one submission).

Allele frequency attached by ClinVar (database versions not stated): TOPMed below 0.00001.

Submission:

CeGaT Center for Human Genetics Tuebingen
Classification: Uncertain significance. Last evaluated: 2023-10-01. Review status: criteria provided, single submitter. Criteria: CeGaT Center For Human Genetics Tuebingen Variant Classification Criteria Version 2. Collection method: clinical testing. Allele origin: germline. Affected: yes. Observed: 1 variant allele.
Comment: SMCHD1: PM2